The following is an entry in ClinVar:

NM_001308093.3(GATA4):c.867C>T (p.Gly289=)

Gene: GATA4 (GATA binding protein 4). Cytogenetic location: 8p23.1.
Variant type: single nucleotide variant.
Coding change: c.867C>T on transcript NM_001308093.3 (MANE Select); coding-DNA position 867, C replaced by T.
Protein change: p.Gly289=; no amino-acid change (glycine 289 retained).
Molecular consequence: synonymous variant. On other transcripts: intron variant (1).
Genome position (GRCh38, 1-based): chr8:11,750,191, C>T. VCF-style: chr8-11750191-C-T. GRCh37 (hg19) VCF-style: chr8-11607700-C-T.
Other names: c.246C>T, p.Gly82= (NM_001308094.2, NM_001374273.1); c.864C>T, p.Gly288= (NM_002052.5); c.165+1106C>T (NM_001374274.1).
Identifiers: ClinVar variation 1470106 (VCV001470106.10), dbSNP rs781143539, ClinGen allele CA4630724.

ClinVar aggregate classification (germline): Conflicting classifications of pathogenicity. Review status: criteria provided, conflicting classifications (1 of 4 stars). 2 submissions from 2 submitters: Uncertain significance (1); Likely benign (1). Last evaluated 2025-05-03.

Conditions:
Atrioventricular septal defect 4 (AVSD4). Identifiers: MedGen C3280781, MONDO:0013747, OMIM 614430.

Allele frequency attached by ClinVar (database versions not stated): gnomAD exomes 0.00001 and 0.00004; gnomAD 0.00008 and 0.00009; TOPMed 0.00008.
gnomAD v4.1: 25 of 1,613,188 alleles (0.0015%); highest among the groups gnomAD compares: African/African-American, 0.02%; no homozygotes.

Submissions (2):

Labcorp Genetics (formerly Invitae), Labcorp
Classification: Likely benign for Atrioventricular septal defect 4. Last evaluated: 2025-05-03. Review status: criteria provided, single submitter. Criteria: Invitae Variant Classification Sherloc (09022015). Collection method: clinical testing. Allele origin: germline.

GeneDx
Classification: Uncertain significance. Last evaluated: 2022-10-21. Review status: criteria provided, single submitter. Criteria: GeneDx Variant Classification Process June 2021. Collection method: clinical testing. Allele origin: germline. Affected: yes.
Comment: Has not been previously published as pathogenic or benign to our knowledge; In silico analysis supports a deleterious effect on splicing